The following is an entry in ClinVar:

ClinVar aggregate classification (germline): Uncertain significance (1 of 4 stars; one submission).

Submission:

Labcorp Genetics (formerly Invitae), Labcorp
Classification: Uncertain significance. Last evaluated: 2025-10-11. Review status: criteria provided, single submitter. Criteria: Invitae Variant Classification Sherloc (09022015). Collection method: clinical testing. Allele origin: germline.
Comment: This sequence change replaces leucine, which is neutral and non-polar, with valine, which is neutral and non-polar, at codon 1231 of the SETBP1 protein (p.Leu1231Val). This variant is not present in population databases (gnomAD no frequency). This variant has not been reported in the literature in individuals affected with SETBP1-related conditions. Invitae Evidence Modeling of protein sequence and biophysical properties (such as structural, functional, and spatial information, amino acid conservation, physicochemical variation, residue mobility, and thermodynamic stability) indicates that this missense variant is not expected to disrupt SETBP1 protein function with a negative predictive value of 80%. In summary, the available evidence is currently insufficient to determine the role of this variant in disease. Therefore, it has been classified as a Variant of Uncertain Significance.

NM_015559.3(SETBP1):c.3691C>G (p.Leu1231Val)

Gene: SETBP1 (SET binding protein 1; plus strand). Cytogenetic location: 18q12.3.
Variant type: single nucleotide variant.
Coding change: c.3691C>G on transcript NM_015559.3 (MANE Select); coding-DNA position 3691, C replaced by G.
Protein change: p.Leu1231Val; replaces leucine 1231 with valine.
Molecular consequence: missense variant.
Genome position (GRCh38, 1-based): chr18:44,953,031, C>G. VCF-style: chr18-44953031-C-G. GRCh37 (hg19) VCF-style: chr18-42532996-C-G.
Other names: c.3691C>G, p.Leu1231Val (NM_001379141.1, NM_001379142.1, NM_001410862.1); short protein forms L1231V.
Identifiers: ClinVar variation 4741876 (VCV004741876.1).